The following is an entry in ClinVar:

ClinVar aggregate classification (germline): Uncertain significance. Review status: criteria provided, multiple submitters, no conflicts (2 of 4 stars). 3 submissions from 3 submitters: Uncertain significance (3). Last evaluated 2022-07-03.

Conditions:
PRPH2-related disorder. Also called: PRPH2-related disorders; PRPH2-related condition. Identifiers: MedGen CN239395.

Allele frequency attached by ClinVar (database versions not stated): gnomAD exomes below 0.00001; gnomAD 0.00001.
gnomAD v4.1: 6 of 1,613,854 alleles (0.00037%); highest among the groups gnomAD compares: African/African-American, 0.0013%; no homozygotes.

Submissions (3):

Labcorp Genetics (formerly Invitae), Labcorp
Classification: Uncertain significance for PRPH2-related disorder. Last evaluated: 2022-07-03. Review status: criteria provided, single submitter. Criteria: Invitae Variant Classification Sherloc (09022015). Collection method: clinical testing. Allele origin: germline.
Comment: This variant is not present in population databases (gnomAD no frequency). This variant has not been reported in the literature in individuals affected with PRPH2-related conditions. ClinVar contains an entry for this variant (Variation ID: 809933). Advanced modeling of protein sequence and biophysical properties (such as structural, functional, and spatial information, amino acid conservation, physicochemical variation, residue mobility, and thermodynamic stability) performed at Invitae indicates that this missense variant is not expected to disrupt PRPH2 protein function. In summary, the available evidence is currently insufficient to determine the role of this variant in disease. Therefore, it has been classified as a Variant of Uncertain Significance. This sequence change replaces lysine, which is basic and polar, with asparagine, which is neutral and polar, at codon 7 of the PRPH2 protein (p.Lys7Asn).

Blueprint Genetics
Classification: Uncertain significance. Last evaluated: 2019-09-30. Review status: criteria provided, single submitter. Criteria: ACMG Guidelines, 2015. Collection method: clinical testing. Allele origin: germline.

CeGaT Center for Human Genetics Tuebingen
Classification: Uncertain significance. Last evaluated: 2018-11-01. Review status: criteria provided, single submitter. Criteria: CeGaT Center For Human Genetics Tuebingen Variant Classification Criteria Version 2. Collection method: clinical testing. Allele origin: germline. Affected: yes. Observed: 1 variant allele.

NM_000322.5(PRPH2):c.21G>T (p.Lys7Asn)

Gene: PRPH2 (peripherin 2; minus strand). Cytogenetic location: 6p21.1.
Variant type: single nucleotide variant.
Coding change: c.21G>T on transcript NM_000322.5 (MANE Select); coding-DNA position 21, G replaced by T.
Protein change: p.Lys7Asn; replaces lysine 7 with asparagine.
Molecular consequence: missense variant.
Genome position (GRCh38, 1-based): chr6:42,722,314, C>A on the plus strand (G>T on the coding strand, the complement: PRPH2 is on the minus strand). VCF-style: chr6-42722314-C-A. GRCh37 (hg19) VCF-style: chr6-42690052-C-A.
Other names: short protein forms K7N.
Identifiers: ClinVar variation 809933 (VCV000809933.47), dbSNP rs1582781191, ClinGen allele CA364138944.
Genomic context (GRCh38, chr6:42,722,314, plus strand): 5'-GGAGAACCAGTTCATGAGCCAGAGCCCTTGGGCCAACTTGACCCGCTTCTTCTGGTCAAA[C>A]TTGACTTTCAGTAGCGCCATGCTTGCCAAGTGTAGTCCGGGTTGCTTCCCACAGCACAGC-3'
Protein context (NP_000313.2, residues 1-17): MALLKV[Lys7Asn]FDQKKRVKLA